The following is an entry in ClinVar:

ClinVar aggregate classification (germline): Uncertain significance (1 of 4 stars; one submission).

Allele frequency attached by ClinVar (database versions not stated): TOPMed 0.00013; ESP Exome Variant Server 0.00015; gnomAD exomes 0.00015; 1000 Genomes Project 30x 0.00062; ExAC 0.00018; 1000 Genomes Project 0.00040; gnomAD 0.00015.
gnomAD v4.1: 243 of 1,613,512 alleles (0.015%); highest among the groups gnomAD compares: Middle Eastern, 0.049%; no homozygotes.

Submission:

Labcorp Genetics (formerly Invitae), Labcorp
Classification: Uncertain significance. Last evaluated: 2025-10-09. Review status: criteria provided, single submitter. Criteria: Invitae Variant Classification Sherloc (09022015). Collection method: clinical testing. Allele origin: germline.
Comment: This sequence change replaces threonine, which is neutral and polar, with isoleucine, which is neutral and non-polar, at codon 646 of the AXL protein (p.Thr646Ile). This variant is present in population databases (rs202051448, gnomAD 0.03%). This variant has not been reported in the literature in individuals affected with AXL-related conditions. ClinVar contains an entry for this variant (Variation ID: 2918464). Invitae Evidence Modeling of protein sequence and biophysical properties (such as structural, functional, and spatial information, amino acid conservation, physicochemical variation, residue mobility, and thermodynamic stability) indicates that this missense variant is not expected to disrupt AXL protein function with a negative predictive value of 80%. In summary, the available evidence is currently insufficient to determine the role of this variant in disease. Therefore, it has been classified as a Variant of Uncertain Significance.

NM_021913.5(AXL):c.1937C>T (p.Thr646Ile)

Gene: AXL (AXL receptor tyrosine kinase; plus strand). Cytogenetic location: 19q13.2.
Variant type: single nucleotide variant.
Coding change: c.1937C>T on transcript NM_021913.5 (MANE Select); coding-DNA position 1937, C replaced by T.
Protein change: p.Thr646Ile; replaces threonine 646 with isoleucine.
Molecular consequence: missense variant.
Genome position (GRCh38, 1-based): chr19:41,253,609, C>T. VCF-style: chr19-41253609-C-T. GRCh37 (hg19) VCF-style: chr19-41759514-C-T.
Other names: c.1133C>T, p.Thr378Ile (NM_001278599.2); c.1910C>T, p.Thr637Ile (NM_001699.6); short protein forms T378I, T646I, T637I.
Identifiers: ClinVar variation 2918464 (VCV002918464.3), dbSNP rs202051448, ClinGen allele CA9458522.